The following is an entry in ClinVar:

NM_006254.4(PRKCD):c.1743+29T>G

Gene: PRKCD (protein kinase C delta; plus strand). Cytogenetic location: 3p21.1.
Variant type: single nucleotide variant.
Coding change: c.1743+29T>G on transcript NM_006254.4 (MANE Select); 29 bases into the intron after coding-DNA position 1743, T replaced by G.
Molecular consequence: intron variant.
Genome position (GRCh38, 1-based): chr3:53,189,275, T>G. VCF-style: chr3-53189275-T-G. GRCh37 (hg19) VCF-style: chr3-53223291-T-G.
Other names: c.1743+29T>G (NM_001354680.2, NM_001354679.2, NM_212539.2 and 1 more transcripts); c.1800+29T>G (NM_001354676.2); c.1791+29T>G (NM_001354678.2).
Identifiers: ClinVar variation 1221911 (VCV001221911.8), dbSNP rs7630600, ClinGen allele CA2452276.

ClinVar aggregate classification (germline): Benign. Review status: criteria provided, multiple submitters, no conflicts (2 of 4 stars). 4 submissions from 4 submitters: Benign (4). Last evaluated 2023-11-14.

Conditions:
Autoimmune lymphoproliferative syndrome, type III caused by mutation in PRKCD. Identifiers: Orphanet 3261, Orphanet 664711, MedGen C3809928, MONDO:8000024, OMIM 615559.

Allele frequency attached by ClinVar (database versions not stated): gnomAD exomes 0.82248 and 0.72965; 1000 Genomes Project 0.91014; gnomAD 0.74353 and 0.74742; ExAC 0.85964; ESP Exome Variant Server 0.93108.
gnomAD v4.1: 1,049,794 of 1,289,188 alleles (81%); highest among the groups gnomAD compares: East Asian, 86%; 408,040 homozygotes.

Submissions (4):

Unidad de Genómica Garrahan, Hospital de Pediatría Garrahan
Classification: Benign. Last evaluated: 2023-11-14. Review status: criteria provided, single submitter. Criteria: ACMG Guidelines, 2015. Collection method: clinical testing. Allele origin: germline. Affected: no. Observed: 95 variant alleles.
Comment: This variant is classified as Benign based on local population frequency. This variant was detected in 99% of patients studied by a panel of primary immunodeficiencies. Number of patients: 95. Only high quality variants are reported.

Genome-Nilou Lab
Classification: Benign for Autoimmune lymphoproliferative syndrome, type III caused by mutation in PRKCD. Last evaluated: 2021-10-25. Review status: criteria provided, single submitter. Criteria: ACMG Guidelines, 2015. Collection method: clinical testing. Allele origin: germline. Affected: no.

GeneDx
Classification: Benign. Last evaluated: 2021-05-14. Review status: criteria provided, single submitter. Criteria: GeneDx Variant Classification Process June 2021. Collection method: clinical testing. Allele origin: germline. Affected: yes.

Breakthrough Genomics
Classification: Benign. Review status: criteria provided, single submitter. Criteria: ACMG Guidelines, 2015. Collection method: not provided. Allele origin: germline. Inheritance: Autosomal recessive inheritance. Affected: yes.